The following is an entry in ClinVar:

NM_001457.4(FLNB):c.2017A>G (p.Lys673Glu)

Gene: FLNB (filamin B; plus strand). Cytogenetic location: 3p14.3.
Variant type: single nucleotide variant.
Coding change: c.2017A>G on transcript NM_001457.4 (MANE Select); coding-DNA position 2017, A replaced by G.
Protein change: p.Lys673Glu; replaces lysine 673 with glutamic acid.
Molecular consequence: missense variant.
Genome position (GRCh38, 1-based): chr3:58,108,533, A>G. VCF-style: chr3-58108533-A-G. GRCh37 (hg19) VCF-style: chr3-58094260-A-G.
Other names: c.2017A>G, p.Lys673Glu (NM_001164317.2, NM_001164318.2, NM_001164319.2); short protein forms K673E.
Identifiers: ClinVar variation 3021696 (VCV003021696.3), dbSNP rs1416959814, ClinGen allele CA353342344.

ClinVar aggregate classification (germline): Uncertain significance (1 of 4 stars; one submission).

Allele frequency attached by ClinVar (database versions not stated): TOPMed below 0.00001; gnomAD exomes below 0.00001.
gnomAD v4.1: 1 of 1,613,990 alleles (0.000062%); highest among the groups gnomAD compares: Non-Finnish European, 0.000085%; no homozygotes.

Submission:

Labcorp Genetics (formerly Invitae), Labcorp
Classification: Uncertain significance. Last evaluated: 2025-11-11. Review status: criteria provided, single submitter. Criteria: Invitae Variant Classification Sherloc (09022015). Collection method: clinical testing. Allele origin: germline.
Comment: This sequence change replaces lysine, which is basic and polar, with glutamic acid, which is acidic and polar, at codon 673 of the FLNB protein (p.Lys673Glu). This variant is not present in population databases (gnomAD no frequency). This variant has not been reported in the literature in individuals affected with FLNB-related conditions. ClinVar contains an entry for this variant (Variation ID: 3021696). Invitae Evidence Modeling of protein sequence and biophysical properties (such as structural, functional, and spatial information, amino acid conservation, physicochemical variation, residue mobility, and thermodynamic stability) indicates that this missense variant is not expected to disrupt FLNB protein function with a negative predictive value of 95%. In summary, the available evidence is currently insufficient to determine the role of this variant in disease. Therefore, it has been classified as a Variant of Uncertain Significance.